The following is an entry in ClinVar:

NM_001458.5(FLNC):c.187G>T (p.Asp63Tyr)

Gene: FLNC (filamin C; plus strand). Cytogenetic location: 7q32.1.
Variant type: single nucleotide variant.
Coding change: c.187G>T on transcript NM_001458.5 (MANE Select); coding-DNA position 187, G replaced by T.
Protein change: p.Asp63Tyr; replaces aspartic acid 63 with tyrosine.
Molecular consequence: missense variant.
Genome position (GRCh38, 1-based): chr7:128,830,824, G>T. VCF-style: chr7-128830824-G-T. GRCh37 (hg19) VCF-style: chr7-128470878-G-T.
Other names: c.187G>T, p.Asp63Tyr (NM_001127487.2); short protein forms D63Y.
Identifiers: ClinVar variation 1781871 (VCV001781871.6), dbSNP rs762095259, ClinGen allele CA4473971.

ClinVar aggregate classification (germline): Uncertain significance. Review status: criteria provided, multiple submitters, no conflicts (2 of 4 stars). 3 submissions from 3 submitters: Uncertain significance (3). Last evaluated 2024-07-11.

Conditions:
Cardiovascular phenotype. Identifiers: MedGen CN230736.
Distal myopathy with posterior leg and anterior hand involvement. Also called: WILLIAMS DISTAL MYOPATHY. Identifiers: Orphanet 63273, MedGen C3279722, MONDO:0013550, OMIM 614065.
Hypertrophic cardiomyopathy 26. Also called: Cardiomyopathy, familial hypertrophic, 26. Identifiers: Orphanet 75249, MedGen C4310749, MONDO:0014883, OMIM 617047.
Myofibrillar myopathy 5. Also called: Filaminopathy (type); FILAMINOPATHY, AUTOSOMAL DOMINANT. Identifiers: Orphanet 171445, MedGen C1836050, MONDO:0012289, OMIM 609524.

Allele frequency attached by ClinVar (database versions not stated): TOPMed below 0.00001.
gnomAD v4.1: 3 of 1,613,088 alleles (0.00019%); highest among the groups gnomAD compares: Non-Finnish European, 0.00025%; no homozygotes.

Submissions (3):

Blueprint Genetics
Classification: Uncertain significance. Last evaluated: 2024-07-11. Review status: criteria provided, single submitter. Criteria: ACMG Guidelines, 2015. Collection method: clinical testing. Allele origin: germline.

Labcorp Genetics (formerly Invitae), Labcorp
Classification: Uncertain significance for Distal myopathy with posterior leg and anterior hand involvement; Myofibrillar myopathy 5; Hypertrophic cardiomyopathy 26. Last evaluated: 2023-09-15. Review status: criteria provided, single submitter. Criteria: Invitae Variant Classification Sherloc (09022015). Collection method: clinical testing. Allele origin: germline.
Comment: This sequence change replaces aspartic acid, which is acidic and polar, with tyrosine, which is neutral and polar, at codon 63 of the FLNC protein (p.Asp63Tyr). This variant is present in population databases (rs762095259, gnomAD 0.0009%). This variant has not been reported in the literature in individuals affected with FLNC-related conditions. ClinVar contains an entry for this variant (Variation ID: 1781871). Advanced modeling of protein sequence and biophysical properties (such as structural, functional, and spatial information, amino acid conservation, physicochemical variation, residue mobility, and thermodynamic stability) has been performed at Invitae for this missense variant, however the output from this modeling did not meet the statistical confidence thresholds required to predict the impact of this variant on FLNC protein function. In summary, the available evidence is currently insufficient to determine the role of this variant in disease. Therefore, it has been classified as a Variant of Uncertain Significance.

Ambry Genetics
Classification: Uncertain significance for Cardiovascular phenotype. Last evaluated: 2021-03-23. Review status: criteria provided, single submitter. Criteria: Ambry Variant Classification Scheme 2023. Collection method: clinical testing. Allele origin: germline.
Comment: The p.D63Y variant (also known as c.187G>T), located in coding exon 1 of the FLNC gene, results from a G to T substitution at nucleotide position 187. The aspartic acid at codon 63 is replaced by tyrosine, an amino acid with highly dissimilar properties. This amino acid position is well conserved in available vertebrate species. In addition, this alteration is predicted to be deleterious by in silico analysis. Since supporting evidence is limited at this time, the clinical significance of this alteration remains unclear.